The following is an entry in ClinVar:

NM_004366.6(CLCN2):c.322A>G (p.Met108Val)

Gene: CLCN2 (chloride voltage-gated channel 2; minus strand). Cytogenetic location: 3q27.1.
Variant type: single nucleotide variant.
Coding change: c.322A>G on transcript NM_004366.6 (MANE Select); coding-DNA position 322, A replaced by G.
Protein change: p.Met108Val; replaces methionine 108 with valine.
Molecular consequence: missense variant. On other transcripts: intron variant (1).
Genome position (GRCh38, 1-based): chr3:184,358,712, T>C on the plus strand (A>G on the coding strand, the complement: CLCN2 is on the minus strand). VCF-style: chr3-184358712-T-C. GRCh37 (hg19) VCF-style: chr3-184076500-T-C.
Other names: c.322A>G, p.Met108Val (NM_001171087.3, NM_001171089.3); c.220+263A>G (NM_001171088.3); short protein forms M108V.
Identifiers: ClinVar variation 3145410 (VCV003145410.3), dbSNP rs769908303, ClinGen allele CA2734536.

ClinVar aggregate classification (germline): Uncertain significance. Review status: criteria provided, multiple submitters, no conflicts (2 of 4 stars). 2 submissions from 2 submitters: Uncertain significance (2). Last evaluated 2024-06-24.

Conditions:
Inborn genetic diseases. Identifiers: MedGen C0950123, MeSH D030342.

Allele frequency attached by ClinVar (database versions not stated): gnomAD 0.00001; gnomAD exomes 0.00001; TOPMed 0.00003.

Submissions (2):

Labcorp Genetics (formerly Invitae), Labcorp
Classification: Uncertain significance. Last evaluated: 2024-06-24. Review status: criteria provided, single submitter. Criteria: Invitae Variant Classification Sherloc (09022015). Collection method: clinical testing. Allele origin: germline.
Comment: This sequence change replaces methionine, which is neutral and non-polar, with valine, which is neutral and non-polar, at codon 108 of the CLCN2 protein (p.Met108Val). This variant is present in population databases (rs769908303, gnomAD 0.003%). This variant has not been reported in the literature in individuals affected with CLCN2-related conditions. Advanced modeling of protein sequence and biophysical properties (such as structural, functional, and spatial information, amino acid conservation, physicochemical variation, residue mobility, and thermodynamic stability) performed at Invitae indicates that this missense variant is not expected to disrupt CLCN2 protein function with a negative predictive value of 80%. In summary, the available evidence is currently insufficient to determine the role of this variant in disease. Therefore, it has been classified as a Variant of Uncertain Significance.

Ambry Genetics
Classification: Uncertain significance for Inborn genetic diseases. Last evaluated: 2024-01-02. Review status: criteria provided, single submitter. Criteria: Ambry Variant Classification Scheme 2023. Collection method: clinical testing. Allele origin: germline.